The following is an entry in ClinVar:

NM_001258392.3(CLPB):c.1230C>T (p.Thr410=)

Genes: CLPB (ClpB family mitochondrial disaggregase; minus strand), LOC126861258 (MED14-independent group 3 enhancer GRCh37_chr11:72012242-72013441; plus strand). Cytogenetic location: 11q13.4.
Variant type: single nucleotide variant.
Coding change: c.1230C>T on transcript NM_001258392.3 (MANE Select); coding-DNA position 1230, C replaced by T.
Protein change: p.Thr410=; no amino-acid change (threonine 410 retained).
Molecular consequence: synonymous variant.
Genome position (GRCh38, 1-based): chr11:72,301,902, G>A on the plus strand (C>T on the coding strand, the complement: CLPB is on the minus strand). VCF-style: chr11-72301902-G-A. GRCh37 (hg19) VCF-style: chr11-72012946-G-A.
Other names: c.1320C>T (NM_030813.5); c.1143C>T, p.Thr381= (NM_001258393.3); c.1185C>T, p.Thr395= (NM_001258394.3); c.1320C>T, p.Thr440= (NM_030813.6).
Identifiers: ClinVar variation 2902096 (VCV002902096.5), dbSNP rs150087251, ClinGen allele CA6171230.

ClinVar aggregate classification (germline): Likely benign. Review status: criteria provided, single submitter (1 of 4 stars). 2 submissions from 2 submitters: Likely benign (1). 1 of the submissions does not count toward it. Last evaluated 2025-10-05.

Conditions:
CLPB-related disorder. Also called: CLPB-related condition.
3-methylglutaconic aciduria, type VIIB (MGCA7B). Also called: 3-methylglutaconic aciduria with cataracts, neurologic involvement and neutropenia; 3-methylglutaconic aciduria, type VII, with cataracts, neurologic involvement and neutropenia; CLPB Deficiency. Identifiers: Orphanet 445038, MedGen C5676893, MONDO:0014561, OMIM 616271.

gnomAD v4.1: 54 of 1,614,014 alleles (0.0033%); highest among the groups gnomAD compares: East Asian, 0.0045%; no homozygotes.

Submissions (2):

Labcorp Genetics (formerly Invitae), Labcorp
Classification: Likely benign for 3-methylglutaconic aciduria, type VIIB. Last evaluated: 2025-10-05. Review status: criteria provided, single submitter. Criteria: Invitae Variant Classification Sherloc (09022015). Collection method: clinical testing. Allele origin: germline.

PreventionGenetics, part of Exact Sciences
Classification: Likely benign for CLPB-related condition. Last evaluated: 2019-05-02. Review status: no assertion criteria provided. Collection method: clinical testing. Allele origin: germline. Not counted in ClinVar's aggregate classification.
Comment: This variant is classified as likely benign based on ACMG/AMP sequence variant interpretation guidelines (Richards et al. 2015 PMID: 25741868, with internal and published modifications).